The following is an entry in ClinVar:

ClinVar aggregate classification (germline): Uncertain significance (1 of 4 stars; one submission).

Conditions:
Retinitis pigmentosa 12 (RP12). Also called: RP WITH OR WITHOUT PPRPE; RP WITH OR WITHOUT PRESERVED PARAARTERIOLE RETINAL PIGMENT EPITHELIUM; RETINITIS PIGMENTOSA WITH OR WITHOUT PARAARTERIOLAR PRESERVATION OF RETINAL PIGMENT EPITHELIUM. Identifiers: Orphanet 791, MedGen C1838647, MONDO:0010818, OMIM 600105.

Allele frequency attached by ClinVar (database versions not stated): gnomAD exomes below 0.00001.
gnomAD v4.1: 6 of 1,614,142 alleles (0.00037%); highest among the groups gnomAD compares: Non-Finnish European, 0.00051%; no homozygotes.

Submission:

Ocular Genomics Institute, Massachusetts Eye and Ear
Classification: Uncertain significance for Retinitis pigmentosa 12. Last evaluated: 2021-04-08. Review status: criteria provided, single submitter. Criteria: ACMG Guidelines, 2015. Collection method: research. Allele origin: germline. Affected: yes.
Comment: Through a review of available evidence we were able to apply the following criteria: PM2. Based on this evidence we have classified this variant as Variant of Uncertain Significance.

NM_201253.3(CRB1):c.1268G>A (p.Cys423Tyr)

Gene: CRB1 (crumbs cell polarity complex component 1; plus strand). Cytogenetic location: 1q31.3.
Variant type: single nucleotide variant.
Coding change: c.1268G>A on transcript NM_201253.3 (MANE Select); coding-DNA position 1268, G replaced by A.
Protein change: p.Cys423Tyr; replaces cysteine 423 with tyrosine.
Molecular consequence: missense variant. On other transcripts: non-coding transcript variant (2).
Genome position (GRCh38, 1-based): chr1:197,421,096, G>A. VCF-style: chr1-197421096-G-A. GRCh37 (hg19) VCF-style: chr1-197390226-G-A.
Other names: c.1061G>A, p.Cys354Tyr (NM_001257965.2); c.1268G>A, p.Cys423Tyr (NM_001257966.2); c.932G>A, p.Cys311Tyr (NM_001193640.2); short protein forms C311Y, C354Y, C423Y.
Identifiers: ClinVar variation 1065710 (VCV001065710.1), dbSNP rs2125469069, ClinGen allele CA344030102.